The following is an entry in ClinVar:

ClinVar aggregate classification (germline): Pathogenic (1 of 4 stars; one submission).

Conditions:
Inborn genetic diseases. Identifiers: MedGen C0950123, MeSH D030342.

gnomAD v4.1: 10 of 1,613,522 alleles (0.00062%); highest among the groups gnomAD compares: African/African-American, 0.0013%; no homozygotes.

Submission:

Ambry Genetics
Classification: Pathogenic for Inborn genetic diseases. Last evaluated: 2020-03-25. Review status: criteria provided, single submitter. Criteria: Ambry Variant Classification Scheme 2023. Collection method: clinical testing. Allele origin: germline.
Comment: The c.229+2T>A intronic pathogenic mutation results from a T to A substitution two nucleotides after coding exon 3 in the DNAJB2 gene. This nucleotide position is highly conserved in available vertebrate species. A different mutation affecting the same donor site (c.229+1G>A) has been detected in the homozygous state in two siblings with hereditary neuropathy; this variant resulted in abnormal splicing, leading to premature translation termination (Gess B et al. Neurology, 2014 Nov;83:1726-32). In addition to the data presented in the literature, alterations that disrupt the canonical splice site are expected to cause aberrant splicing, resulting in an abnormal protein or a transcript that is subject to nonsense-mediated mRNA decay. As such, this alteration is classified as a disease-causing mutation.

Literature cited by the submitters: PubMed 25274842.

NM_006736.6(DNAJB2):c.229+2T>A

Gene: DNAJB2 (DnaJ heat shock protein family (Hsp40) member B2; plus strand). Cytogenetic location: 2q35.
Variant type: single nucleotide variant.
Coding change: c.229+2T>A on transcript NM_006736.6 (MANE Select); the canonical splice donor site of the intron after coding-DNA position 229, T replaced by A.
Molecular consequence: splice donor variant.
Genome position (GRCh38, 1-based): chr2:219,281,773, T>A. VCF-style: chr2-219281773-T-A. GRCh37 (hg19) VCF-style: chr2-220146495-T-A.
Other names: c.229+2T>A (NM_001039550.2).
Identifiers: ClinVar variation 1789094 (VCV001789094.2), dbSNP rs753570551, ClinGen allele CA350647809.
Genomic context (GRCh38, chr2:219,281,773, plus strand): 5'-TGCAGAGCACAAGCGGGAGATTTACGACCGCTATGGCCGGGAAGGGCTGACAGGGACAGG[T>A]AGGTGGAGTGGTGAGGCCCAGGAATGGAGGTGGGGCAGGGAGGAGAGGGGCAGGGCAGAT-3'